The following is an entry in ClinVar:

ClinVar aggregate classification (germline): Uncertain significance. Review status: criteria provided, single submitter (1 of 4 stars). 2 submissions from 2 submitters: Uncertain significance (1). 1 of the submissions does not count toward it. Last evaluated 2024-03-14.

Conditions:
Leber congenital amaurosis (LCA). Also called: Leber's amaurosis. Identifiers: Orphanet 65, MedGen C0339527, MeSH D057130, MONDO:0018998.

Allele frequency attached by ClinVar (database versions not stated): gnomAD 0.00001.
gnomAD v4.1: 3 of 1,613,974 alleles (0.00019%); highest among the groups gnomAD compares: South Asian, 0.0022%; no homozygotes.

Submissions (2):

Women's Health and Genetics/Laboratory Corporation of America, LabCorp
Classification: Uncertain significance. Last evaluated: 2024-03-14. Review status: criteria provided, single submitter. Criteria: LabCorp Variant Classification Summary - May 2015. Collection method: clinical testing. Allele origin: germline.
Comment: Variant summary: CRB1 c.3928G>T (p.Gly1310Cys) results in a non-conservative amino acid change located in the EGF-like domain (IPR000742) of the encoded protein sequence. Five of five in-silico tools predict a damaging effect of the variant on protein function. The variant allele was found at a frequency of 4e-06 in 251448 control chromosomes (gnomAD). c.3928G>T has been reported in the literature in a homozygous individual affected with Retinitis pigmentosa (Yang_2016). These data indicate that the variant may be associated with disease. To our knowledge, no experimental evidence demonstrating an impact on protein function has been reported. The following publication has been ascertained in the context of this evaluation (PMID: 27670293). No submitters have cited clinical-significance assessments for this variant to ClinVar. Based on the evidence outlined above, the variant was classified as VUS-possibly pathogenic.

Natera, Inc.
Classification: Uncertain significance for Leber congenital amaurosis. Last evaluated: 2025-02-28. Review status: no assertion criteria provided. Collection method: clinical testing. Allele origin: germline. Not counted in ClinVar's aggregate classification.

Literature cited by the submitters: PubMed 27670293 (cited by Women's Health and Genetics/Laboratory Corporation of America, LabCorp).

NM_201253.3(CRB1):c.3928G>T (p.Gly1310Cys)

Gene: CRB1 (crumbs cell polarity complex component 1; plus strand). Cytogenetic location: 1q31.3.
Variant type: single nucleotide variant.
Coding change: c.3928G>T on transcript NM_201253.3 (MANE Select); coding-DNA position 3928, G replaced by T.
Protein change: p.Gly1310Cys; replaces glycine 1310 with cysteine.
Molecular consequence: missense variant. On other transcripts: non-coding transcript variant (2).
Genome position (GRCh38, 1-based): chr1:197,442,215, G>T. VCF-style: chr1-197442215-G-T. GRCh37 (hg19) VCF-style: chr1-197411345-G-T.
Other names: c.3592G>T, p.Gly1198Cys (NM_001193640.2); c.3856G>T, p.Gly1286Cys (NM_001257965.2); c.2320G>T, p.Gly774Cys (NM_001257966.2); c.3928G>T (NM_201253.2); short protein forms G1198C, G1286C, G1310C, G774C.
Identifiers: ClinVar variation 3233954 (VCV003233954.3), dbSNP rs1411240510, ClinGen allele CA344052554.
Genomic context (GRCh38, chr1:197,442,215, plus strand): 5'-TTATTTTGAAGGTGTGAAAAGGACATTGATGAGTGTGCCTCTGATCCGTGTGTCAATGGA[G>T]GTCTGTGCCAGGACTTACTCAACAAATTCCAGTGCCTCTGTGATGTTGCCTTTGCTGGCG-3'
Protein context (NP_957705.1, residues 1300-1320): ECASDPCVNG[Gly1310Cys]LCQDLLNKFQ